The following is an entry in ClinVar:

NM_002474.3(MYH11):c.5614G>C (p.Ala1872Pro)

Genes: MYH11 (myosin heavy chain 11; minus strand), NDE1 (nudE neurodevelopment protein 1; plus strand). Cytogenetic location: 16p13.11.
Variant type: single nucleotide variant.
Coding change: c.5614G>C on transcript NM_002474.3 (MANE Select); coding-DNA position 5614, G replaced by C.
Protein change: p.Ala1872Pro; replaces alanine 1872 with proline.
Molecular consequence: missense variant. On other transcripts: intron variant (2).
Genome position (GRCh38, 1-based): chr16:15,715,081, C>G on the plus strand (G>C on the coding strand, the complement: MYH11 is on the minus strand). VCF-style: chr16-15715081-C-G. GRCh37 (hg19) VCF-style: chr16-15808938-C-G.
Other names: c.5635G>C, p.Ala1879Pro (NM_001040113.2, NM_001040114.2); c.5614G>C, p.Ala1872Pro (NM_022844.3); c.948-9110C>G (NM_001143979.2, NM_017668.3); short protein forms A1872P, A1879P.
Identifiers: ClinVar variation 1748647 (VCV001748647.2), dbSNP rs1355377006, ClinGen allele CA394847138.

ClinVar aggregate classification (germline): Uncertain significance (1 of 4 stars; one submission).

Conditions:
Familial thoracic aortic aneurysm and aortic dissection (TAAD). Also called: Thoracic aortic aneurysms and dissections. Identifiers: Orphanet 91387, MedGen C4707243, MONDO:0019625.

Submission:

Ambry Genetics
Classification: Uncertain significance for Familial thoracic aortic aneurysm and aortic dissection. Last evaluated: 2022-09-02. Review status: criteria provided, single submitter. Criteria: Ambry Variant Classification Scheme 2023. Collection method: clinical testing. Allele origin: germline.
Comment: The p.A1872P variant (also known as c.5614G>C) is located in coding exon 39 of the MYH11 gene. The alanine at codon 1872 is replaced by proline, an amino acid with highly similar properties. This change occurs in the first base pair of coding exon 39. This amino acid position is conserved. In addition, the in silico prediction for this alteration is inconclusive. Since supporting evidence is limited at this time, the clinical significance of this alteration remains unclear.